The following is an entry in ClinVar:

ClinVar aggregate classification (germline): Likely pathogenic (1 of 4 stars; one submission).

Conditions:
COG5-congenital disorder of glycosylation. Also called: COG5-CDG; CDG IIi; CONGENITAL DISORDER OF GLYCOSYLATION, TYPE IIi. Identifiers: Orphanet 263487, MedGen C3150876, MONDO:0013325, OMIM 613612.

Submission:

3billion
Classification: Likely pathogenic for COG5-congenital disorder of glycosylation. Last evaluated: 2025-02-24. Review status: criteria provided, single submitter. Criteria: ACMG Guidelines, 2015. Collection method: clinical testing. Allele origin: germline. Affected: yes.
Comment: The variant is not observed in the gnomAD v4.1.0 dataset. Predicted Consequence/Location: Canonical splice site: predicted to alter splicing and result in a loss or disruption of normal protein function. Multiple pathogenic loss-of-function variants are reported downstream of the variant. Therefore, this variant is classified as Likely pathogenic according to the recommendation of ACMG/AMP guideline.

NM_006348.5(COG5):c.328_347+25delinsGC

Gene: COG5 (component of oligomeric golgi complex 5; minus strand). Cytogenetic location: 7q22.3.
Variant type: Indel.
Coding change: c.328_347+25delinsGC on transcript NM_006348.5 (MANE Select); coding-DNA position 328 through 25 bases into the intron after coding-DNA position 347, the reference bases replaced by GC.
Molecular consequence: splice donor variant. On other transcripts: intron variant (1).
Genome position (GRCh38, 1-based): chr7:107,548,253-107,548,297, 45 bases replaced. GRCh37 (hg19): chr7:107,188,698-107,188,742.
Other names: c.234+9679_234+9723delinsGC (NM_001379516.1); c.328_347+25delinsGC (NM_001161520.2, NM_001379515.1, NM_001379511.1 and 4 more transcripts).
Identifiers: ClinVar variation 4293205 (VCV004293205.1).